The following is an entry in ClinVar:

NM_000203.5(IDUA):c.713T>C (p.Leu238Pro)

Gene: IDUA (alpha-L-iduronidase; plus strand). Cytogenetic location: 4p16.3.
Variant type: single nucleotide variant.
Coding change: c.713T>C on transcript NM_000203.5 (MANE Select); coding-DNA position 713, T replaced by C.
Protein change: p.Leu238Pro; replaces leucine 238 with proline.
Molecular consequence: missense variant. On other transcripts: non-coding transcript variant (1).
Genome position (GRCh38, 1-based): chr4:1,001,802, T>C. VCF-style: chr4-1001802-T-C. GRCh37 (hg19) VCF-style: chr4-995590-T-C.
Other names: c.317T>C, p.Leu106Pro (NM_001363576.1); short protein forms L106P, L238P.
Identifiers: ClinVar variation 1517837 (VCV001517837.8), dbSNP rs148789453, ClinGen allele CA355962116.

ClinVar aggregate classification (germline): Likely pathogenic (1 of 4 stars; one submission).

Conditions:
Mucopolysaccharidosis type 1. Also called: IDUA deficiency; MPS I; Mucopolysaccharidosis Type I. Identifiers: Orphanet 579, MedGen C0023786, MONDO:0001586.

gnomAD v4.1: 1 of 1,604,758 alleles (0.000062%); highest among the groups gnomAD compares: Non-Finnish European, 0.000085%; no homozygotes.

Submission:

Labcorp Genetics (formerly Invitae), Labcorp
Classification: Likely pathogenic for Mucopolysaccharidosis type 1. Last evaluated: 2021-07-06. Review status: criteria provided, single submitter. Criteria: Invitae Variant Classification Sherloc (09022015). Collection method: clinical testing. Allele origin: germline.
Comment: In summary, the currently available evidence indicates that the variant is pathogenic, but additional data are needed to prove that conclusively. Therefore, this variant has been classified as Likely Pathogenic. This variant disrupts the p.Leu238 amino acid residue in IDUA. Other variant(s) that disrupt this residue have been determined to be pathogenic (PMID: 15300847, 24368159). This suggests that this residue is clinically significant, and that variants that disrupt this residue are likely to be disease-causing. Advanced modeling of protein sequence and biophysical properties (such as structural, functional, and spatial information, amino acid conservation, physicochemical variation, residue mobility, and thermodynamic stability) performed at Invitae indicates that this missense variant is expected to disrupt IDUA protein function. This variant has not been reported in the literature in individuals affected with IDUA-related conditions. This variant is not present in population databases (ExAC no frequency). This sequence change replaces leucine with proline at codon 238 of the IDUA protein (p.Leu238Pro). The leucine residue is highly conserved and there is a moderate physicochemical difference between leucine and proline.

Literature cited by the submitters: PubMed 15300847; PubMed 24368159.